The following is an entry in ClinVar:

ClinVar aggregate classification (germline): Uncertain significance (1 of 4 stars; one submission).

Conditions:
Autosomal dominant osteopetrosis 2. Also called: OSTEOSCLEROSIS FRAGILIS GENERALISATA; ALBERS-SCHONBERG DISEASE, AUTOSOMAL DOMINANT; Autosomal Dominant Osteopetrosis Type II (ADOII); MARBLE BONES, AUTOSOMAL DOMINANT; Osteopetroses; Marble bones. Identifiers: Orphanet 53, MedGen C3179239, MONDO:0008156, OMIM 166600.

Submission:

MVZ Medizinische Genetik Mainz
Classification: Uncertain significance for Autosomal dominant osteopetrosis 2. Last evaluated: 2025-03-27. Review status: criteria provided, single submitter. Criteria: UK Practice Guidelines For Variant Classification V4 01 2020. Collection method: clinical testing. Allele origin: germline. Inheritance: Autosomal dominant inheritance. Affected: yes. Observed: 1 variant allele.
Comment: ACMG Criteria: PP3_MOD,PM2_SUP

NM_001287.6(CLCN7):c.2283C>G (p.Phe761Leu)

Gene: CLCN7 (Cl-/H+ antiporter 7; minus strand). Cytogenetic location: 16p13.3.
Variant type: single nucleotide variant.
Coding change: c.2283C>G on transcript NM_001287.6 (MANE Select); coding-DNA position 2283, C replaced by G.
Protein change: p.Phe761Leu; replaces phenylalanine 761 with leucine.
Molecular consequence: missense variant.
Genome position (GRCh38, 1-based): chr16:1,447,054, G>C on the plus strand (C>G on the coding strand, the complement: CLCN7 is on the minus strand). VCF-style: chr16-1447054-G-C. GRCh37 (hg19) VCF-style: chr16-1497055-G-C.
Other names: c.2211C>G, p.Phe737Leu (NM_001114331.3); short protein forms F737L, F761L.
Identifiers: ClinVar variation 3894560 (VCV003894560.1).